The following is an entry in ClinVar:

NM_018275.5(TRAPPC14):c.244C>T (p.Leu82=)

Genes: TRAPPC14 (trafficking protein particle complex subunit 14; minus strand), LOC129998908 (ATAC-STARR-seq lymphoblastoid silent region 18421; plus strand). Cytogenetic location: 7q22.1.
Variant type: single nucleotide variant.
Coding change: c.244C>T on transcript NM_018275.5 (MANE Select); coding-DNA position 244, C replaced by T.
Protein change: p.Leu82=; no amino-acid change (leucine 82 retained).
Molecular consequence: synonymous variant. On other transcripts: intron variant (1).
Genome position (GRCh38, 1-based): chr7:100,158,256, G>A on the plus strand (C>T on the coding strand, the complement: TRAPPC14 is on the minus strand). VCF-style: chr7-100158256-G-A. GRCh37 (hg19) VCF-style: chr7-99755879-G-A.
Other names: c.-396-318C>T (NM_001303470.2).
Identifiers: ClinVar variation 2657742 (VCV002657742.24), dbSNP rs554461580, ClinGen allele CA163202146.

ClinVar aggregate classification (germline): Likely benign (1 of 4 stars; one submission).

Allele frequency attached by ClinVar (database versions not stated): gnomAD exomes 0.00010; TOPMed 0.00012; gnomAD 0.00013; 1000 Genomes Project 30x 0.00016; 1000 Genomes Project 0.00020.

Submission:

CeGaT Center for Human Genetics Tuebingen
Classification: Likely benign. Last evaluated: 2022-07-01. Review status: criteria provided, single submitter. Criteria: CeGaT Center For Human Genetics Tuebingen Variant Classification Criteria Version 2. Collection method: clinical testing. Allele origin: germline. Affected: yes. Observed: 1 variant allele.
Comment: TRAPPC14: BP4, BP7